The following is an entry in ClinVar:

NM_001318895.3(FHL2):c.724C>T (p.Arg242Trp)

Genes: C2orf49 (chromosome 2 open reading frame 49; plus strand), FHL2 (four and a half LIM domains 2; minus strand). Cytogenetic location: 2q12.2.
Variant type: single nucleotide variant.
Coding change: c.724C>T on transcript NM_001318895.3 (MANE Select); coding-DNA position 724, C replaced by T.
Protein change: p.Arg242Trp; replaces arginine 242 with tryptophan.
Molecular consequence: missense variant.
Genome position (GRCh38, 1-based): chr2:105,361,399, G>A on the plus strand (C>T on the coding strand, the complement: FHL2 is on the minus strand). VCF-style: chr2-105361399-G-A. GRCh37 (hg19) VCF-style: chr2-105977856-G-A.
Other names: c.724C>T, p.Arg242Trp (NM_001039492.3, NM_001318894.1, NM_001318896.2 and 4 more transcripts); c.382C>T, p.Arg128Trp (NM_001318897.2, NM_001318898.2); c.400C>T, p.Arg134Trp (NM_001318899.2); short protein forms R242W, R128W, R134W.
Identifiers: ClinVar variation 48330 (VCV000048330.4), dbSNP rs397517961, ClinGen allele CA143190.

ClinVar aggregate classification (germline): Uncertain significance (1 of 4 stars; one submission).

Allele frequency attached by ClinVar (database versions not stated): gnomAD exomes 0.00001; TOPMed 0.00001; gnomAD 0.00001 and 0.00010; ExAC 0.00002.
gnomAD v4.1: 22 of 1,613,948 alleles (0.0014%); highest among the groups gnomAD compares: African/African-American, 0.0027%; no homozygotes.

Submission:

Laboratory for Molecular Medicine, Mass General Brigham Personalized Medicine
Classification: Uncertain significance. Last evaluated: 2012-06-14. Review status: criteria provided, single submitter. Criteria: LMM Criteria. Collection method: clinical testing. Allele origin: germline. Observed: 3 variant alleles.
Comment: Computational analyses (biochemical amino acid properties, conservation, AlignGVGD, PolyPhen2, and SIFT) do not provide strong support for or against an impact to the protein. Additional information is needed to fully assess the clinical significance of this variant.